The following is an entry in ClinVar:

ClinVar aggregate classification (germline): Benign (0 of 4 stars; one submission).

Conditions:
MUC16-related disorder. Also called: MUC16-related condition.

Allele frequency attached by ClinVar (database versions not stated): gnomAD exomes 0.00014; ExAC 0.00036; 1000 Genomes Project 0.00120; 1000 Genomes Project 30x 0.01202.

Submission:

PreventionGenetics, part of Exact Sciences
Classification: Benign for MUC16-related condition. Last evaluated: 2019-04-25. Review status: no assertion criteria provided. Collection method: clinical testing. Allele origin: germline.
Comment: This variant is classified as benign based on ACMG/AMP sequence variant interpretation guidelines (Richards et al. 2015 PMID: 25741868, with internal and published modifications).

NM_001401501.2(MUC16):c.39189C>T (p.Pro13063=)

Gene: MUC16 (mucin 16, cell surface associated; minus strand). Cytogenetic location: 19p13.2.
Variant type: single nucleotide variant.
Coding change: c.39189C>T on transcript NM_001401501.2 (MANE Select); coding-DNA position 39189, C replaced by T.
Protein change: p.Pro13063=; no amino-acid change (proline 13063 retained).
Molecular consequence: synonymous variant.
Genome position (GRCh38, 1-based): chr19:8,899,982, G>A on the plus strand (C>T on the coding strand, the complement: MUC16 is on the minus strand). VCF-style: chr19-8899982-G-A. GRCh37 (hg19) VCF-style: chr19-9010658-G-A.
Other names: c.39615C>T, p.Pro13205= (NM_001414686.1); c.39069C>T, p.Pro13023= (NM_001414687.1); c.39003C>T, p.Pro13001= (NM_024690.2).
Identifiers: ClinVar variation 3041418 (VCV003041418.2), dbSNP rs561116953, ClinGen allele CA9164268.